The following is an entry in ClinVar:

ClinVar aggregate classification (germline): Conflicting classifications of pathogenicity. Review status: criteria provided, conflicting classifications (1 of 4 stars). 11 submissions from 10 submitters: Uncertain significance (7); Benign (1); Likely benign (2). 1 of the submissions does not count toward it. Last evaluated 2026-08-07.

Conditions:
Amyotrophic lateral sclerosis type 4 (ALS4). Also called: NEURONOPATHY, DISTAL HEREDITARY MOTOR, WITH PYRAMIDAL FEATURES; AMYOTROPHIC LATERAL SCLEROSIS 4, JUVENILE. Identifiers: Orphanet 357043, MedGen C1865409, MONDO:0011223, OMIM 602433.
Spinocerebellar ataxia, autosomal recessive, with axonal neuropathy 2 (SCAN2). Also called: Ataxia-ocular apraxia-2; Ataxia with Oculomotor Apraxia; Ataxia with Oculomotor Apraxia Type 2; ATAXIA-OCULOMOTOR APRAXIA 2. Identifiers: Orphanet 64753, MedGen C1853761, MONDO:0018996, OMIM 606002.
Inborn genetic diseases. Identifiers: MedGen C0950123, MeSH D030342.
SETX-related disorder. Also called: SETX-related disorders; SETX-related condition. Identifiers: MedGen CN239403.
Hereditary spastic paraplegia. Also called: Familial spastic paraparesis. Identifiers: Orphanet 685, MedGen C0037773, MONDO:0019064. Disease mechanism: loss of function.

Allele frequency attached by ClinVar (database versions not stated): 1000 Genomes Project 0.00020; 1000 Genomes Project 30x 0.00031; ExAC 0.00033; gnomAD 0.00034 and 0.00037; TOPMed 0.00049; ESP Exome Variant Server 0.00069.
gnomAD v4.1: 878 of 1,614,148 alleles (0.054%); highest among the groups gnomAD compares: Non-Finnish European, 0.069%; 2 homozygotes.

Submissions (11):

GeneDx
Classification: Uncertain significance. Last evaluated: 2026-08-07. Review status: criteria provided, single submitter. Criteria: GeneDx Variant Classification Process June 2021. Collection method: clinical testing. Allele origin: germline.
Comment: Reported previously in an individual with corticobasal syndrome who had a loss of function variant in another gene associated with this disorder, and the authors concluded that the SETX variant was unlikely to be the cause the disorder (PMID: 35309588); In silico analysis suggests that this missense variant does not alter protein structure/function; This variant is associated with the following publications: (PMID: 28642336, 32409511, 35309588, 23129421)

Labcorp Genetics (formerly Invitae), Labcorp
Classification: Likely benign for Amyotrophic lateral sclerosis type 4; Spinocerebellar ataxia, autosomal recessive, with axonal neuropathy 2. Last evaluated: 2026-02-01. Review status: criteria provided, single submitter. Criteria: Invitae Variant Classification Sherloc (09022015). Collection method: clinical testing. Allele origin: germline.

Mayo Clinic Laboratories, Mayo Clinic
Classification: Uncertain significance. Last evaluated: 2025-03-21. Review status: criteria provided, single submitter. Criteria: ACMG Guidelines, 2015. Collection method: clinical testing. Allele origin: germline. Observed: 4 variant alleles.
Comment: BP4

CeGaT Center for Human Genetics Tuebingen
Classification: Likely benign. Last evaluated: 2025-03-01. Review status: criteria provided, single submitter. Criteria: CeGaT Center For Human Genetics Tuebingen Variant Classification Criteria Version 2. Collection method: clinical testing. Allele origin: germline. Affected: yes. Observed: 3 variant alleles.
Comment: SETX: BS1

Athena Diagnostics
Classification: Benign. Last evaluated: 2025-01-21. Review status: criteria provided, single submitter. Criteria: Athena Diagnostics Criteria. Collection method: clinical testing. Allele origin: unknown.
Comment: The frequency of this variant in the general population is higher than would generally be expected for pathogenic variants in this gene. Computational tools predict this amino acid change may be benign. This variant has been seen where an alternate explanation for disease was also identified.

Ambry Genetics
Classification: Uncertain significance for Inborn genetic diseases. Last evaluated: 2023-10-13. Review status: criteria provided, single submitter. Criteria: Ambry Variant Classification Scheme 2023. Collection method: clinical testing. Allele origin: germline.
Comment: The c.4433C>A (p.A1478E) alteration is located in exon 10 (coding exon 8) of the SETX gene. This alteration results from a C to A substitution at nucleotide position 4433, causing the alanine (A) at amino acid position 1478 to be replaced by a glutamic acid (E). Based on data from gnomAD, the A allele has an overall frequency of 0.028% (78/282780) total alleles studied. The highest observed frequency was 0.055% (4/7224) of Other alleles. This amino acid position is not well conserved in available vertebrate species. This alteration is predicted to be tolerated by in silico analysis. Based on insufficient or conflicting evidence, the clinical significance of this alteration remains unclear.

Genome Diagnostics Laboratory, The Hospital for Sick Children
Classification: Uncertain significance for Hereditary spastic paraplegia. Last evaluated: 2019-07-01. Review status: criteria provided, single submitter. Criteria: ACMG Guidelines, 2015. Collection method: clinical testing. Allele origin: germline. Affected: yes.

Fulgent Genetics
Classification: Uncertain significance for Amyotrophic lateral sclerosis type 4; Spinocerebellar ataxia, autosomal recessive, with axonal neuropathy 2. Last evaluated: 2018-10-31. Review status: criteria provided, single submitter. Criteria: ACMG Guidelines, 2015. Collection method: clinical testing. Allele origin: unknown.

Illumina Laboratory Services, Illumina
Classification: Uncertain significance for Amyotrophic lateral sclerosis type 4. Last evaluated: 2017-04-28. Review status: criteria provided, single submitter. Criteria: ICSL Variant Classification Criteria 13 December 2019. Collection method: clinical testing. Allele origin: germline.
Comment: This variant was observed as part of a predisposition screen in an ostensibly healthy population. A literature search was performed for the gene, cDNA change, and amino acid change (where applicable). Publications were found based on this search. However, the evidence from the literature, in combination with allele frequency data from public databases where available, was not sufficient to rule this variant in or out of causing disease. Therefore, this variant is classified as a variant of unknown significance.

Illumina Laboratory Services, Illumina
Classification: Uncertain significance for Spinocerebellar ataxia, autosomal recessive, with axonal neuropathy 2. Last evaluated: 2017-04-28. Review status: criteria provided, single submitter. Criteria: ICSL Variant Classification Criteria 13 December 2019. Collection method: clinical testing. Allele origin: germline.

PreventionGenetics, part of Exact Sciences
Classification: Uncertain significance for SETX-related condition. Last evaluated: 2024-05-24. Review status: no assertion criteria provided. Collection method: clinical testing. Allele origin: germline. Not counted in ClinVar's aggregate classification.
Comment: The SETX c.4433C>A variant is predicted to result in the amino acid substitution p.Ala1478Glu. This variant was reported in individuals with amyotrophic lateral sclerosis (Arning et al. 2013. PubMed ID: 23129421; McCann et al. 2020. PubMed ID: 32409511) as well as in unaffected controls (Arning et al. 2013. PubMed ID: 23129421). This variant is reported in 0.052% of alleles in individuals of European (Non-Finnish) descent in gnomAD, which may be too common to be a primary cause of disease. Although we suspect that this variant may be benign, at this time, the clinical significance of this variant is uncertain due to the absence of conclusive functional and genetic evidence.

Literature cited by the submitters: PubMed 23129421 (cited by 4 submitters); PubMed 28642336 (cited by 3 submitters); PubMed 32409511 (cited by 3 submitters); PubMed 35309588 (cited by Mayo Clinic Laboratories, Mayo Clinic and Ambry Genetics).

NM_015046.7(SETX):c.4433C>A (p.Ala1478Glu)

Gene: SETX (senataxin; minus strand). Cytogenetic location: 9q34.13.
Variant type: single nucleotide variant.
Coding change: c.4433C>A on transcript NM_015046.7 (MANE Select); coding-DNA position 4433, C replaced by A.
Protein change: p.Ala1478Glu; replaces alanine 1478 with glutamic acid.
Molecular consequence: missense variant.
Genome position (GRCh38, 1-based): chr9:132,327,165, G>T on the plus strand (C>A on the coding strand, the complement: SETX is on the minus strand). VCF-style: chr9-132327165-G-T. GRCh37 (hg19) VCF-style: chr9-135202552-G-T.
Other names: c.4433C>A, p.Ala1478Glu (NM_001351527.2, NM_001351528.2); short protein forms A1478E.
Identifiers: ClinVar variation 448329 (VCV000448329.58), dbSNP rs143661911, ClinGen allele CA5297202.